The following is an entry in ClinVar:

NM_019045.5(WDR44):c.2627T>A (p.Val876Asp)

Gene: WDR44 (WD repeat domain 44; plus strand). Cytogenetic location: Xq24.
Variant type: single nucleotide variant.
Coding change: c.2627T>A on transcript NM_019045.5 (MANE Select); coding-DNA position 2627, T replaced by A.
Protein change: p.Val876Asp; replaces valine 876 with aspartic acid.
Molecular consequence: missense variant.
Genome position (GRCh38, 1-based): chrX:118,444,474, T>A. VCF-style: chrX-118444474-T-A. GRCh37 (hg19) VCF-style: chrX-117578437-T-A.
Other names: c.2603T>A, p.Val868Asp (NM_001184965.2); c.2360T>A, p.Val787Asp (NM_001184966.1); short protein forms V787D, V868D, V876D.
Identifiers: ClinVar variation 1334507 (VCV001334507.4), dbSNP rs1331397024, ClinGen allele CA414352761.

ClinVar aggregate classification (germline): Uncertain significance (0 of 4 stars; one submission).

Submission:

Greenwood Genetic Center Diagnostic Laboratories, Greenwood Genetic Center
Classification: Uncertain significance. Last evaluated: 2021-07-15. Review status: no assertion criteria provided. Collection method: clinical testing. Allele origin: germline. Affected: yes.
Comment: Gene of uncertain significance